The following is an entry in ClinVar:

ClinVar aggregate classification (germline): Conflicting classifications of pathogenicity. Review status: criteria provided, conflicting classifications (1 of 4 stars). 4 submissions from 3 submitters: Uncertain significance (3); Likely benign (1). Last evaluated 2026-01-28.

Conditions:
Alpha-N-acetylgalactosaminidase deficiency type 2. Also called: ALPHA-N-ACETYLGALACTOSAMINIDASE DEFICIENCY, TYPE II; NAGA DEFICIENCY, TYPE II; SCHINDLER DISEASE, TYPE II. Identifiers: Orphanet 3137, Orphanet 79280, MedGen C1836522, MONDO:0012222, OMIM 609242.
Alpha-N-acetylgalactosaminidase deficiency type 1. Also called: SCHINDLER DISEASE, TYPE I; ALPHA-N-ACETYLGALACTOSAMINIDASE DEFICIENCY, TYPE I; NAGA DEFICIENCY, TYPE I; NEUROAXONAL DYSTROPHY, SCHINDLER TYPE. Identifiers: Orphanet 3137, Orphanet 79279, Orphanet 79281, MedGen C1836544, MONDO:0012221, OMIM 609241.

Allele frequency attached by ClinVar (database versions not stated): ExAC 0.00015; 1000 Genomes Project 30x 0.00016; gnomAD exomes 0.00025 and 0.00050; TOPMed 0.00026; gnomAD 0.00029; ESP Exome Variant Server 0.00046.
gnomAD v4.1: 760 of 1,614,188 alleles (0.047%); highest among the groups gnomAD compares: Non-Finnish European, 0.061%; no homozygotes.

Submissions (4):

Labcorp Genetics (formerly Invitae), Labcorp
Classification: Likely benign for Alpha-N-acetylgalactosaminidase deficiency type 1. Last evaluated: 2026-01-28. Review status: criteria provided, single submitter. Criteria: Invitae Variant Classification Sherloc (09022015). Collection method: clinical testing. Allele origin: germline.

Mayo Clinic Laboratories, Mayo Clinic
Classification: Uncertain significance. Last evaluated: 2022-04-14. Review status: criteria provided, single submitter. Criteria: ACMG Guidelines, 2015. Collection method: clinical testing. Allele origin: germline. Observed: 1 variant allele.
Comment: PM2

Illumina Laboratory Services, Illumina
Classification: Uncertain significance for Alpha-N-acetylgalactosaminidase deficiency type 1. Last evaluated: 2018-01-13. Review status: criteria provided, single submitter. Criteria: ICSL Variant Classification Criteria 13 December 2019. Collection method: clinical testing. Allele origin: germline.

Illumina Laboratory Services, Illumina
Classification: Uncertain significance for Alpha-N-acetylgalactosaminidase deficiency type 2. Last evaluated: 2018-01-13. Review status: criteria provided, single submitter. Criteria: ICSL Variant Classification Criteria 13 December 2019. Collection method: clinical testing. Allele origin: germline.

NM_000262.3(NAGA):c.993G>T (p.Leu331=)

Gene: NAGA (alpha-N-acetylgalactosaminidase; minus strand). Cytogenetic location: 22q13.2.
Variant type: single nucleotide variant.
Coding change: c.993G>T on transcript NM_000262.3 (MANE Select); coding-DNA position 993, G replaced by T.
Protein change: p.Leu331=; no amino-acid change (leucine 331 retained).
Molecular consequence: synonymous variant.
Genome position (GRCh38, 1-based): chr22:42,061,032, C>A on the plus strand (G>T on the coding strand, the complement: NAGA is on the minus strand). VCF-style: chr22-42061032-C-A. GRCh37 (hg19) VCF-style: chr22-42457036-C-A.
Other names: p.Leu331=; c.993G>T, p.Leu331= (NM_001362848.1, NM_001362850.1).
Identifiers: ClinVar variation 341905 (VCV000341905.15), dbSNP rs147853281, ClinGen allele CA10263625.